The following is an entry in ClinVar:

ClinVar aggregate classification (germline): Uncertain significance. Review status: criteria provided, multiple submitters, no conflicts (2 of 4 stars). 2 submissions from 2 submitters: Uncertain significance (2). Last evaluated 2025-10-13.

Allele frequency attached by ClinVar (database versions not stated): gnomAD 0.00001 and 0.00003; gnomAD exomes 0.00001 and 0.00003; ExAC 0.00002; TOPMed 0.00003.

Submissions (2):

Labcorp Genetics (formerly Invitae), Labcorp
Classification: Uncertain significance. Last evaluated: 2025-10-13. Review status: criteria provided, single submitter. Criteria: Invitae Variant Classification Sherloc (09022015). Collection method: clinical testing. Allele origin: germline.
Comment: This sequence change replaces alanine, which is neutral and non-polar, with serine, which is neutral and polar, at codon 273 of the SLC46A1 protein (p.Ala273Ser). This variant is present in population databases (rs781978069, gnomAD 0.009%). This variant has not been reported in the literature in individuals affected with SLC46A1-related conditions. ClinVar contains an entry for this variant (Variation ID: 1319237). Invitae Evidence Modeling of protein sequence and biophysical properties (such as structural, functional, and spatial information, amino acid conservation, physicochemical variation, residue mobility, and thermodynamic stability) indicates that this missense variant is not expected to disrupt SLC46A1 protein function with a negative predictive value of 80%. In summary, the available evidence is currently insufficient to determine the role of this variant in disease. Therefore, it has been classified as a Variant of Uncertain Significance.

Institute for Clinical Genetics, University Hospital TU Dresden, University Hospital TU Dresden
Classification: Uncertain significance. Last evaluated: 2021-11-03. Review status: criteria provided, single submitter. Criteria: ACMG Guidelines, 2015. Collection method: clinical testing. Allele origin: germline.

NM_080669.6(SLC46A1):c.817G>T (p.Ala273Ser)

Gene: SLC46A1 (solute carrier family 46 member 1; minus strand). Cytogenetic location: 17q11.2.
Variant type: single nucleotide variant.
Coding change: c.817G>T on transcript NM_080669.6 (MANE Select); coding-DNA position 817, G replaced by T.
Protein change: p.Ala273Ser; replaces alanine 273 with serine.
Molecular consequence: missense variant.
Genome position (GRCh38, 1-based): chr17:28,404,880, C>A on the plus strand (G>T on the coding strand, the complement: SLC46A1 is on the minus strand). VCF-style: chr17-28404880-C-A. GRCh37 (hg19) VCF-style: chr17-26731898-C-A.
Other names: c.817G>T, p.Ala273Ser (NM_001242366.3); short protein forms A273S.
Identifiers: ClinVar variation 1319237 (VCV001319237.6), dbSNP rs781978069, ClinGen allele CA8458271.